The following continues an entry in ClinVar:

NM_000540.3(RYR1):c.1840C>T (p.Arg614Cys)

Gene: RYR1. ClinVar aggregate classification (germline): Pathogenic; drug response. Pathogenic (1).

Submissions 19 to 28 of 41:

Rady Children's Institute for Genomic Medicine, Rady Children's Hospital San Diego
Classification: Pathogenic for RYR1-Related Disorders. Last evaluated: 2024-05-08. Review status: criteria provided, single submitter. Criteria: ACMG Guidelines, 2015. Collection method: clinical testing. Allele origin: germline. Affected: yes. Not counted in ClinVar's aggregate classification.
Comment: The RYR1 gene is constrained against missense variation (Z-score= 4.01), and missense variants are a common mechanism of disease (PMID: 20301325). The c.1840C>T (p.Arg614Cys) variant affects a highly conserved amino acid and is predicted by multiple in silico tools to have a deleterious effect on protein function. This is a known Pathogenic variant that has been previously reported as a heterozygous change in individuals with malignant hyperthermia (PMID: 1774074, 1510267, 8602662, 30236257, 11493496, 19648156, 23842196). This variant has also been reported as a heterozygous (PMID: 35428369) and compound heterozygous change (PMID: 35627144, 12937085, 33458582) in individuals with congenital RYR1-related myopathies. A different amino acid change at the same residue (p.Arg614Leu) have been previously reported in individuals with malignant hyperthermia (PMID: 9389851, 30236257, 33625594). Functional studies demonstrated increased sensitivity to caffeine and halothane, which has been correlated with calcium release, compared to the wild type protein (PMID: 9334205, 12732639). The c.1840C>T (p.Arg614Cys) variant is present in the heterozygous state in the gnomAD v4 population database at a frequency of 0.007% (118/1614054), and is absent in the homozygous state. Based on the available evidence, c.1840C>T (p.Arg614Cys) is classified as Pathogenic.

Ambry Genetics
Classification: Pathogenic for Inborn genetic diseases. Last evaluated: 2024-01-31. Review status: criteria provided, single submitter. Criteria: Ambry Variant Classification Scheme 2023. Collection method: clinical testing. Allele origin: germline. Not counted in ClinVar's aggregate classification.
Comment: The c.1840C>T (p.R614C) alteration is located in coding exon 17 of the RYR1 gene. This alteration results from a C to T substitution at nucleotide position 1840, causing the arginine (R) at amino acid position 614 to be replaced by a cysteine (C). Based on data from gnomAD, the T allele has an overall frequency of 0.011% (30/282862) total alleles studied. The highest observed frequency was 0.019% (25/129186) of European (non-Finnish) alleles. Multiple individuals with this alteration have been reported with MH (Rueffert, 2001A; Rueffert, 2001B; Carpenter, 2009; Gonsalves, 2013). Two siblings were described with this variant in trans with p.G215E with severe presentation of CCD with muliple arthryogyposis, severe hypotonia and amyotrophy, respiratory mechanical assistance, and multiple malformations including short femurs, facial dysmorphims, and bilateral clinodactyly of the second and fifth fingers (Romero, 2003). Another alteration at the same codon, c.1841G>T (p.R614L), has been detected in individuals with a positive IVCT test and MH diagnosis (Barone, 1999). This amino acid position is highly conserved in available vertebrate species. This alteration is predicted to be deleterious by in silico analysis. Based on the available evidence, this alteration is classified as pathogenic.

Illumina Laboratory Services, Illumina
Classification: Pathogenic for Malignant hyperthermia, susceptibility to, 1. Last evaluated: 2024-01-17. Review status: criteria provided, single submitter. Criteria: ICSLVariantClassificationCriteria RUGD 01 April 2020. Collection method: clinical testing. Allele origin: unknown. Not counted in ClinVar's aggregate classification.
Comment: The RYR1 c.1840C>T p.(Arg614Cys) variant is a well-described pathogenic variant associated with malignant hyperthermia susceptibility. Evidence supporting this pathogenic classification includes observations in individuals with a diagnosis of malignant hyperthermia, co-segregation with disease in multiple families, functional characterization demonstrating a gain-of-function effect consistent with the known mechanism of disease, and an expert panel classification (PMID: 7586638; 11493496; 16163667; 24433488; 25960145; 26115329; 30236257). Based on the available evidence, the c.1840C>T p.(Arg614Cys) variant is classified as pathogenic for malignant hyperthermia susceptibility.

Victorian Clinical Genetics Services, Murdoch Childrens Research Institute
Classification: Pathogenic for Malignant hyperthermia, susceptibility to, 1. Last evaluated: 2023-12-21. Review status: criteria provided, single submitter. Criteria: ACMG Guidelines, 2015. Collection method: clinical testing. Allele origin: germline. Inheritance: Autosomal dominant inheritance. Affected: yes. Not counted in ClinVar's aggregate classification.
Comment: Based on the classification scheme VCGS_Germline_v1.3.4, this variant is classified as Pathogenic. Following criteria are met: 0103 - Loss of function and gain of function are known mechanisms of disease in this gene and are associated with RYR1-related disorders (OMIM). Gain of function mechanism has been described in the context of malignant hyperthermia susceptibility 1 (MIM#145600) and autosomal dominant congenital myopathy 1A with susceptibility to malignant hyperthermia (MIM#117000). Autosomal recessive congenital myopathy 1B (MIM#255320) is associated with a loss of function mechanism (PMIDs: 27855725, 23919265). The mechanism of King-Denborough syndrome (MIM#619542) is unclear. (I) 0108 - This gene is associated with both recessive and dominant disease (OMIM). (I) 0200 - Variant is predicted to result in a missense amino acid change from arginine to cysteine. (I) 0251 - This variant is heterozygous. (I) 0304 - Variant is present in gnomAD <0.01 (v2 & v3: 43 heterozygotes, 0 homozygotes). (SP) 0309 - An alternative amino acid change at the same position has been observed in gnomAD (v2 & v3: 11 heterozygotes, 0 homozygotes). (I) 0501 - Missense variant consistently predicted to be damaging by multiple in silico tools or highly conserved with a major amino acid change. (SP) 0600 - Variant is located in the annotated RIH domain (DECIPHER), within a region enriched for variants in association with malignant hyperthermia susceptibility and central core disease (PMID: 30406384). (I) 0801 - This variant has very strong previous evidence of pathogenicity in unrelated individuals. It is a well-known pathogenic variant associated with malignant hyperthermia susceptibility (ClinVar). In addition, it has been detected in individuals with myopathies (PMID: 21795085, 33458582). (SP) 1208 - Inheritance information for this variant is not currently available in this individual. (I) Legend: (SP) - Supporting pathogenic, (I) - Information, (SB) - Supporting benign

Blueprint Genetics
Classification: Pathogenic for RYR1-related disorders. Last evaluated: 2023-10-10. Review status: criteria provided, single submitter. Criteria: ACMG Guidelines, 2015. Collection method: clinical testing. Allele origin: germline. Affected: yes. Observed: 5 variant alleles. Not counted in ClinVar's aggregate classification.

Molecular Genetics, Royal Melbourne Hospital
Classification: Pathogenic for Malignant hyperthermia, susceptibility to, 1. Last evaluated: 2023-03-30. Review status: criteria provided, single submitter. Criteria: ACMG Guidelines, 2015. Collection method: clinical testing. Allele origin: germline. Affected: yes. Not counted in ClinVar's aggregate classification.
Comment: This sequence change in RYR1 is predicted to replace arginine with cysteine at codon 614, p.(Arg614Cys). The arginine residue is highly conserved (100 vertebrates, UCSC), and is located in exon 17 in the N-terminal region, amino acids 1-552, which is defined as a mutational hotspot. There is a large physicochemical difference between arginine and cysteine. The highest population minor allele frequency in gnomAD v2.1 is 0.02% (25/129,186 alleles) in the European (non-Finnish) population. The prevalence of the variant in individuals with malignant hyperthermia susceptibility (MHS) is significantly increased compared with the prevalence in controls (Odds Ratio 51.1, 95% CI: 26.4-98.7) (PMID: 30236257; gnomAD v2.1 European non-Finnish). It has also been identified in cases with dominant and recessive central core disease, severe statin myopathy, and recurrent rhabdomyolysis (PMID: 14985404, 21795085, 29635721, 33458582). The variant has been reported to segregate with MHS in multiple families (PMID: 8602662, 11493496, 12411788). The variant demonstrates a gain of function effect on intracellular calcium release in a HEK293 assay indicating that this variant impacts protein function (PMID: 9334205). Multiple lines of computational evidence predict a deleterious effect for the missense substitution (5/5 algorithms). Another missense variant c.1841G>T, p.(Arg614Leu) in the same codon has been classified as pathogenic for MHS (ClinVar Variation ID: 133108). Based on the classification scheme RMH Modified ACMG Guidelines v1.5.1, this variant is classified as PATHOGENIC. Following criteria are met: PS4, PP1_Strong, PS3_Moderate, PM1, PM5, PP3.

Institute of Human Genetics Munich, TUM University Hospital
Classification: Pathogenic for Malignant hyperthermia, susceptibility to, 1. Last evaluated: 2023-01-11. Review status: criteria provided, single submitter. Criteria: Classification criteria August 2017. Collection method: clinical testing. Allele origin: germline. Inheritance: Autosomal dominant inheritance. Affected: yes. Observed: 1 variant allele. Not counted in ClinVar's aggregate classification.

MGZ Medical Genetics Center
Classification: Pathogenic for Malignant hyperthermia, susceptibility to, 1. Last evaluated: 2022-01-25. Review status: criteria provided, single submitter. Criteria: ACMG Guidelines, 2015. Collection method: clinical testing. Allele origin: germline. Affected: yes. Observed: 3 variant alleles. Not counted in ClinVar's aggregate classification.
Comment: ACMG criteria applied: PS4, PP1_STR, PS3_MOD, PM5, PP3_MOD, BP2

AiLife Diagnostics
Classification: Pathogenic. Last evaluated: 2022-01-07. Review status: criteria provided, single submitter. Criteria: ACMG Guidelines, 2015. Collection method: clinical testing. Allele origin: germline. Affected: yes. Observed: 5 variant alleles. Not counted in ClinVar's aggregate classification.

National Institute of Allergy and Infectious Diseases - Centralized Sequencing Program, National Institutes of Health
Classification: Pathogenic for Malignant hyperthermia susceptibility. Last evaluated: 2021-08-06. Review status: criteria provided, single submitter. Criteria: ACMG Guidelines, 2015. Collection method: clinical testing. Allele origin: germline. Affected: no. Not counted in ClinVar's aggregate classification.